The following is an entry in ClinVar:

ClinVar aggregate classification (germline): Likely benign (1 of 4 stars; one submission).

Conditions:
PTPRO-related disorder. Also called: PTPRO-related condition.

gnomAD v4.1: 2 of 1,613,508 alleles (0.00012%); highest among the groups gnomAD compares: Non-Finnish European, 0.000085%; no homozygotes.

Submission:

PreventionGenetics, part of Exact Sciences
Classification: Likely benign for PTPRO-related condition. Last evaluated: 2026-06-10. Review status: criteria provided, single submitter. Criteria: ACMG Guidelines, 2015. Collection method: clinical testing. Allele origin: germline.
Comment: This variant is classified as likely benign based on ACMG/AMP sequence variant interpretation guidelines (Richards et al. 2015 PMID: 25741868, with internal and published modifications).

NM_030667.3(PTPRO):c.1938G>T (p.Leu646=)

Gene: PTPRO (protein tyrosine phosphatase receptor type O; plus strand). Cytogenetic location: 12p12.3.
Variant type: single nucleotide variant.
Coding change: c.1938G>T on transcript NM_030667.3 (MANE Select); coding-DNA position 1938, G replaced by T.
Protein change: p.Leu646=; no amino-acid change (leucine 646 retained).
Molecular consequence: synonymous variant.
Genome position (GRCh38, 1-based): chr12:15,524,860, G>T. VCF-style: chr12-15524860-G-T. GRCh37 (hg19) VCF-style: chr12-15677794-G-T.
Other names: c.1938G>T, p.Leu646= (NM_002848.4).
Identifiers: ClinVar variation 4988308 (VCV004988308.1).